The following is an entry in ClinVar:

ClinVar aggregate classification (germline): Conflicting classifications of pathogenicity. Review status: criteria provided, conflicting classifications (1 of 4 stars). 3 submissions from 3 submitters: Uncertain significance (2); Likely benign (1). Last evaluated 2026-09-09.

Conditions:
TTN-related disorder. Also called: TTN-related condition; TTN-related disease; TTN-related disorders.
Autosomal recessive limb-girdle muscular dystrophy type 2J (LGMDR10). Also called: Limb-girdle muscular dystrophy, type 2J; MUSCULAR DYSTROPHY, LIMB-GIRDLE, AUTOSOMAL RECESSIVE 10. Identifiers: Orphanet 140922, MedGen C1837342, MONDO:0012127, OMIM 608807.
Dilated cardiomyopathy 1G (CMD1G). Identifiers: Orphanet 154, MedGen C1858763, MONDO:0011400, OMIM 604145.

Allele frequency attached by ClinVar (database versions not stated): gnomAD exomes 0.00001 and 0.00002; ExAC 0.00003; ESP Exome Variant Server 0.00008; gnomAD 0.00012 and 0.00013; TOPMed 0.00012.
gnomAD v4.1: 29 of 1,611,612 alleles (0.0018%); highest among the groups gnomAD compares: African/African-American, 0.039%; no homozygotes.

Submissions (3):

PreventionGenetics, part of Exact Sciences
Classification: Uncertain significance for TTN-related condition. Last evaluated: 2026-09-09. Review status: criteria provided, single submitter. Criteria: ACMG Guidelines, 2015. Collection method: clinical testing. Allele origin: germline.
Comment: The TTN c.19496A>T variant is predicted to result in the amino acid substitution p.His6499Leu. To our knowledge, this variant has not been reported in the literature. This variant is reported in 0.037% of alleles in individuals of African descent in gnomAD. At this time, the clinical significance of this variant is uncertain due to the absence of conclusive functional and genetic evidence.

GeneDx
Classification: Likely benign. Last evaluated: 2019-08-13. Review status: criteria provided, single submitter. Criteria: GeneDx Variant Classification Process June 2021. Collection method: clinical testing. Allele origin: germline. Affected: yes.

Labcorp Genetics (formerly Invitae), Labcorp
Classification: Uncertain significance for Dilated cardiomyopathy 1G; Autosomal recessive limb-girdle muscular dystrophy type 2J. Last evaluated: 2017-02-15. Review status: criteria provided, single submitter. Criteria: Invitae Variant Classification Sherloc (09022015). Collection method: clinical testing. Allele origin: germline.

NM_001267550.2(TTN):c.19496A>T (p.His6499Leu)

Gene: TTN (titin; minus strand). Cytogenetic location: 2q31.2.
Variant type: single nucleotide variant.
Coding change: c.19496A>T on transcript NM_001267550.2 (MANE Select); coding-DNA position 19496, A replaced by T.
Protein change: p.His6499Leu; replaces histidine 6499 with leucine.
Molecular consequence: missense variant. On other transcripts: intron variant (3).
Genome position (GRCh38, 1-based): chr2:178,728,328, T>A on the plus strand (A>T on the coding strand, the complement: TTN is on the minus strand). VCF-style: chr2-178728328-T-A. GRCh37 (hg19) VCF-style: chr2-179593055-T-A.
Other names: c.18545A>T, p.His6182Leu (NM_001256850.1); c.15764A>T, p.His5255Leu (NM_133378.4); c.13282+9754A>T (NM_003319.4); c.13858+9754A>T (NM_133437.4); c.13657+9754A>T (NM_133432.3); short protein forms H6499L, H5255L, H6182L.
Identifiers: ClinVar variation 466869 (VCV000466869.6), dbSNP rs375173049, ClinGen allele CA2001385.